The following is an entry in ClinVar:

NM_003680.4(YARS1):c.1507G>T (p.Ala503Ser)

Gene: YARS1 (tyrosyl-tRNA synthetase 1; minus strand). Cytogenetic location: 1p35.1.
Variant type: single nucleotide variant.
Coding change: c.1507G>T on transcript NM_003680.4 (MANE Select); coding-DNA position 1507, G replaced by T.
Protein change: p.Ala503Ser; replaces alanine 503 with serine.
Molecular consequence: missense variant.
Genome position (GRCh38, 1-based): chr1:32,776,061, C>A on the plus strand (G>T on the coding strand, the complement: YARS1 is on the minus strand). VCF-style: chr1-32776061-C-A. GRCh37 (hg19) VCF-style: chr1-33241662-C-A.
Other names: short protein forms A503S.
Identifiers: ClinVar variation 573519 (VCV000573519.11), dbSNP rs778099655, ClinGen allele CA339678846.
Genomic context (GRCh38, chr1:32,776,061, plus strand): 5'-TCAGCGATTTACAGGAAATGGAGCCCAGCTTGGTCATGAAGTTGGTTTGCTTCCACTGTG[C>A]GATGCACTCCTCAGAAATTTTGAAGTCAGCCTGGACAAGACAGATAAGAGAGATTTTAAT-3'
Protein context (NP_003671.1, residues 493-513): ADFKISEECI[Ala503Ser]QWKQTNFMTK

ClinVar aggregate classification (germline): Uncertain significance. Review status: criteria provided, multiple submitters, no conflicts (2 of 4 stars). 2 submissions from 2 submitters: Uncertain significance (2). Last evaluated 2024-12-25.

Conditions:
Charcot-Marie-Tooth disease dominant intermediate C (CMTDIC). Also called: CHARCOT-MARIE-TOOTH NEUROPATHY, DOMINANT INTERMEDIATE C. Identifiers: Orphanet 100045, MedGen C1842237, MONDO:0012012, OMIM 608323.

Submissions (2):

Labcorp Genetics (formerly Invitae), Labcorp
Classification: Uncertain significance for Charcot-Marie-Tooth disease dominant intermediate C. Last evaluated: 2024-12-25. Review status: criteria provided, single submitter. Criteria: Invitae Variant Classification Sherloc (09022015). Collection method: clinical testing. Allele origin: germline.
Comment: This sequence change replaces alanine, which is neutral and non-polar, with serine, which is neutral and polar, at codon 503 of the YARS protein (p.Ala503Ser). This variant is not present in population databases (gnomAD no frequency). This variant has not been reported in the literature in individuals affected with YARS-related conditions. ClinVar contains an entry for this variant (Variation ID: 573519). Invitae Evidence Modeling of protein sequence and biophysical properties (such as structural, functional, and spatial information, amino acid conservation, physicochemical variation, residue mobility, and thermodynamic stability) indicates that this missense variant is expected to disrupt YARS protein function with a positive predictive value of 80%. In summary, the available evidence is currently insufficient to determine the role of this variant in disease. Therefore, it has been classified as a Variant of Uncertain Significance.

Illumina Laboratory Services, Illumina
Classification: Uncertain significance. Last evaluated: 2022-10-07. Review status: criteria provided, single submitter. Criteria: ICSL CNVClassificationCriteria Aug2020. Collection method: clinical testing. Allele origin: unknown. Affected: yes.
Comment: The YARS1 (previously named YARS) c.1507G>T (p.Ala503Ser) missense variant results in the substitution of alanine at amino acid position 503 with serine. To our knowledge, this variant has not been reported in the peer-reviewed literature. This variant is not found in version 2.1.1 or version 3.1.2 of the Genome Aggregation Database. The c.1507G>T variant lies within the C-terminal domain of the protein. Based on the available evidence, the c.1507G>T (p.Ala503Ser) variant is classified as a variant of uncertain significance.